The following is an entry in ClinVar:

NM_144666.3(DNHD1):c.1837+2T>C

Gene: DNHD1 (dynein heavy chain domain 1; plus strand). Cytogenetic location: 11p15.4.
Variant type: single nucleotide variant.
Coding change: c.1837+2T>C on transcript NM_144666.3 (MANE Select); the canonical splice donor site of the intron after coding-DNA position 1837, T replaced by C.
Molecular consequence: splice donor variant. On other transcripts: 3 prime UTR variant (1).
Genome position (GRCh38, 1-based): chr11:6,520,291, T>C. VCF-style: chr11-6520291-T-C. GRCh37 (hg19) VCF-style: chr11-6541521-T-C.
Other names: c.*180T>C (NM_173589.4).
Identifiers: ClinVar variation 2059948 (VCV002059948.3), dbSNP rs180925806, ClinGen allele CA5855712.

ClinVar aggregate classification (germline): Conflicting classifications of pathogenicity. Review status: criteria provided, conflicting classifications (1 of 4 stars). 2 submissions from 2 submitters: Likely pathogenic (1); Uncertain significance (1). Last evaluated 2024-12-16.

Allele frequency attached by ClinVar (database versions not stated): gnomAD exomes 0.00002; ExAC 0.00010; 1000 Genomes Project 30x 0.00016; 1000 Genomes Project 0.00020; gnomAD 0.00022; TOPMed 0.00039.
gnomAD v4.1: 69 of 1,551,706 alleles (0.0044%); highest among the groups gnomAD compares: African/African-American, 0.068%; 1 homozygote.

Submissions (3):

GeneDx
Classification: Uncertain significance. Last evaluated: 2024-12-16. Review status: criteria provided, single submitter. Criteria: GeneDx Variant Classification Process June 2021. Collection method: clinical testing. Allele origin: germline. Affected: yes.
Comment: Canonical splice site variant predicted to result in a null allele in a gene for which loss of function is a known mechanism of disease; Has not been previously published as pathogenic or benign to our knowledge

Labcorp Genetics (formerly Invitae), Labcorp
Classification: Likely pathogenic. Last evaluated: 2022-06-28. Review status: criteria provided, single submitter. Criteria: Invitae Variant Classification Sherloc (09022015). Collection method: clinical testing. Allele origin: germline.
Comment: This sequence change affects a donor splice site in intron 10 of the DNHD1 gene. It is expected to disrupt RNA splicing. Variants that disrupt the donor or acceptor splice site typically lead to a loss of protein function (PMID: 16199547), and loss-of-function variants in DNHD1 are known to be pathogenic (PMID: 34932939). This variant is present in population databases (rs180925806, gnomAD 0.05%). This variant has not been reported in the literature in individuals affected with DNHD1-related conditions. Algorithms developed to predict the effect of sequence changes on RNA splicing suggest that this variant may disrupt the consensus splice site. In summary, the currently available evidence indicates that the variant is pathogenic, but additional data are needed to prove that conclusively. Therefore, this variant has been classified as Likely Pathogenic.

Dr. Peter K. Rogan Lab, Western University
No classification provided (evidence only). Condition: Ovarian serous cystadenocarcinoma. Review status: no classification provided. Collection method: in vitro. Allele origin: not applicable. Functional consequence: retained intron. Not counted in ClinVar's aggregate classification.

Literature cited by the submitters: PubMed 16199547 (cited by Labcorp Genetics (formerly Invitae), Labcorp); PubMed 34932939 (cited by Labcorp Genetics (formerly Invitae), Labcorp).